The following is an entry in ClinVar:

ClinVar aggregate classification (germline): Likely benign (1 of 4 stars; one submission).

Submission:

CeGaT Center for Human Genetics Tuebingen
Classification: Likely benign. Last evaluated: 2026-09-01. Review status: criteria provided, single submitter. Criteria: CeGaT Center For Human Genetics Tuebingen Variant Classification Criteria Version 2. Collection method: clinical testing. Allele origin: germline. Affected: yes. Observed: 1 variant allele.
Comment: OCRL: PM2:Supporting, BP4, BP7

NM_000276.4(OCRL):c.1161T>C (p.Asn387=)

Gene: OCRL (OCRL inositol polyphosphate-5-phosphatase; plus strand). Cytogenetic location: Xq26.1.
Variant type: single nucleotide variant.
Coding change: c.1161T>C on transcript NM_000276.4 (MANE Select); coding-DNA position 1161, T replaced by C.
Protein change: p.Asn387=; no amino-acid change (asparagine 387 retained).
Molecular consequence: synonymous variant.
Genome position (GRCh38, 1-based): chrX:129,562,703, T>C. VCF-style: chrX-129562703-T-C. GRCh37 (hg19) VCF-style: chrX-128696680-T-C.
Other names: c.1164T>C, p.Asn388= (NM_001318784.2); c.1161T>C, p.Asn387= (NM_001587.4).
Identifiers: ClinVar variation 5041416 (VCV005041416.1).